The following is an entry in ClinVar:

ClinVar aggregate classification (germline): Uncertain significance (1 of 4 stars; one submission).

Allele frequency attached by ClinVar (database versions not stated): gnomAD exomes below 0.00001; TOPMed below 0.00001; gnomAD 0.00001.
gnomAD v4.1: 7 of 1,612,324 alleles (0.00043%); highest among the groups gnomAD compares: Non-Finnish European, 0.00051%; no homozygotes.

Submission:

Labcorp Genetics (formerly Invitae), Labcorp
Classification: Uncertain significance. Last evaluated: 2022-06-04. Review status: criteria provided, single submitter. Criteria: Invitae Variant Classification Sherloc (09022015). Collection method: clinical testing. Allele origin: germline.
Comment: In summary, the available evidence is currently insufficient to determine the role of this variant in disease. Therefore, it has been classified as a Variant of Uncertain Significance. Algorithms developed to predict the effect of missense changes on protein structure and function are either unavailable or do not agree on the potential impact of this missense change (SIFT: "Deleterious"; PolyPhen-2: "Probably Damaging"; Align-GVGD: "Class C0"). This variant has not been reported in the literature in individuals affected with TBCK-related conditions. This variant is not present in population databases (gnomAD no frequency). This sequence change replaces tryptophan, which is neutral and slightly polar, with arginine, which is basic and polar, at codon 535 of the TBCK protein (p.Trp535Arg).

NM_001163435.3(TBCK):c.1603T>C (p.Trp535Arg)

Gene: TBCK (TBC1 domain containing kinase; minus strand). Cytogenetic location: 4q24.
Variant type: single nucleotide variant.
Coding change: c.1603T>C on transcript NM_001163435.3 (MANE Select); coding-DNA position 1603, T replaced by C.
Protein change: p.Trp535Arg; replaces tryptophan 535 with arginine.
Molecular consequence: missense variant.
Genome position (GRCh38, 1-based): chr4:106,232,974, A>G on the plus strand (T>C on the coding strand, the complement: TBCK is on the minus strand). VCF-style: chr4-106232974-A-G. GRCh37 (hg19) VCF-style: chr4-107154131-A-G.
Other names: c.1603T>C, p.Trp535Arg (NM_001163436.4); c.1486T>C, p.Trp496Arg (NM_001163437.3); c.1087T>C, p.Trp363Arg (NM_001290768.2); c.1414T>C, p.Trp472Arg (NM_033115.5); short protein forms W363R, W472R, W496R, W535R.
Identifiers: ClinVar variation 1914583 (VCV001914583.5), dbSNP rs1054152784, ClinGen allele CA102833734.